The following is an entry in ClinVar:

NM_001080517.3(SETD5):c.886A>G (p.Thr296Ala)

Gene: SETD5 (SET domain containing 5; plus strand). Cytogenetic location: 3p25.3.
Variant type: single nucleotide variant.
Coding change: c.886A>G on transcript NM_001080517.3 (MANE Select); coding-DNA position 886, A replaced by G.
Protein change: p.Thr296Ala; replaces threonine 296 with alanine.
Molecular consequence: missense variant.
Genome position (GRCh38, 1-based): chr3:9,441,668, A>G. VCF-style: chr3-9441668-A-G. GRCh37 (hg19) VCF-style: chr3-9483352-A-G.
Other names: c.592A>G, p.Thr198Ala (NM_001292043.2, NM_001349451.2); short protein forms T198A, T296A.
Identifiers: ClinVar variation 1926631 (VCV001926631.5), dbSNP rs1190090777, ClinGen allele CA351688827.

ClinVar aggregate classification (germline): Uncertain significance (1 of 4 stars; one submission).

Allele frequency attached by ClinVar (database versions not stated): TOPMed below 0.00001; gnomAD exomes 0.00001.
gnomAD v4.1: 4 of 1,613,948 alleles (0.00025%); highest among the groups gnomAD compares: Admixed American, 0.0017%; no homozygotes.

Submission:

Labcorp Genetics (formerly Invitae), Labcorp
Classification: Uncertain significance. Last evaluated: 2022-06-14. Review status: criteria provided, single submitter. Criteria: Invitae Variant Classification Sherloc (09022015). Collection method: clinical testing. Allele origin: germline.
Comment: In summary, the available evidence is currently insufficient to determine the role of this variant in disease. Therefore, it has been classified as a Variant of Uncertain Significance. Algorithms developed to predict the effect of missense changes on protein structure and function are either unavailable or do not agree on the potential impact of this missense change (SIFT: "Deleterious"; PolyPhen-2: "Probably Damaging"; Align-GVGD: "Class C0"). This missense change has been observed in individual(s) with clinical features of SETD5-related conditions (Invitae). This variant is present in population databases (no rsID available, gnomAD 0.003%). This sequence change replaces threonine, which is neutral and polar, with alanine, which is neutral and non-polar, at codon 296 of the SETD5 protein (p.Thr296Ala).